The following is an entry in ClinVar:

NM_020751.3(COG6):c.-21_-20insC

Gene: COG6 (component of oligomeric golgi complex 6; plus strand). Cytogenetic location: 13q14.11.
Variant type: Insertion.
Coding change: c.-21_-20insC on transcript NM_020751.3 (MANE Select); 21 bases upstream of the start codon through 20 bases upstream of the start codon, C inserted.
Molecular consequence: 5 prime UTR variant. On other transcripts: non-coding transcript variant (1).
Genome position: GRCh38 VCF-style: chr13-39655706-G-GC. GRCh37 (hg19) VCF-style: chr13-40229843-G-GC.
Other names: c.-21_-20insC (NM_001145079.2).
Identifiers: ClinVar variation 312126 (VCV000312126.7), dbSNP rs746938820, ClinGen allele CA6958126.

ClinVar aggregate classification (germline): Likely benign. Review status: criteria provided, single submitter (1 of 4 stars). 2 submissions from 2 submitters: Likely benign (1). 1 of the submissions does not count toward it. Last evaluated 2017-05-22.

Conditions:
COG6-related disorder.

Allele frequency attached by ClinVar (database versions not stated): gnomAD 0.00041; 1000 Genomes Project 30x 0.00141; TOPMed 0.00031.

Submissions (2):

GeneDx
Classification: Likely benign. Last evaluated: 2017-05-22. Review status: criteria provided, single submitter. Criteria: GeneDx Variant Classification (06012015). Collection method: clinical testing. Allele origin: germline. Affected: yes.
Comment: This variant is considered likely benign or benign based on one or more of the following criteria: it is a conservative change, it occurs at a poorly conserved position in the protein, it is predicted to be benign by multiple in silico algorithms, and/or has population frequency not consistent with disease.

PreventionGenetics, part of Exact Sciences
Classification: Likely benign for COG6-related condition. Last evaluated: 2021-02-22. Review status: no assertion criteria provided. Collection method: clinical testing. Allele origin: germline. Not counted in ClinVar's aggregate classification.
Comment: This variant is classified as likely benign based on ACMG/AMP sequence variant interpretation guidelines (Richards et al. 2015 PMID: 25741868, with internal and published modifications).